The following is an entry in ClinVar:

NM_001385641.1(SAMD11):c.2413A>C (p.Thr805Pro)

Gene: SAMD11 (sterile alpha motif domain containing 11; plus strand). Cytogenetic location: 1p36.33.
Variant type: single nucleotide variant.
Coding change: c.2413A>C on transcript NM_001385641.1 (MANE Select); coding-DNA position 2413, A replaced by C.
Protein change: p.Thr805Pro; replaces threonine 805 with proline.
Molecular consequence: missense variant.
Genome position (GRCh38, 1-based): chr1:944,031, A>C. VCF-style: chr1-944031-A-C. GRCh37 (hg19) VCF-style: chr1-879411-A-C.
Other names: c.2416A>C, p.Thr806Pro (NM_001385640.1); c.1924A>C, p.Thr642Pro (NM_152486.4); short protein forms T806P, T642P, T805P.
Identifiers: ClinVar variation 1038901 (VCV001038901.8), dbSNP rs890732763, ClinGen allele CA16728477.
Genomic context (GRCh38, chr1:944,031, plus strand): 5'-CCACCAACCCTGCGGGCCCCGGAGCGAGAACTCGGCACAGGAGAGCAGCCCTTGTCCCCC[A>C]CGACGGCCACGTCCCCCTATGGAGGGGGCCACGCCCTTGCCGGTCAAACTTCACCCAAGC-3'
Protein context (NP_001372570.1, residues 795-815): LGTGEQPLSP[Thr805Pro]TATSPYGGGH

ClinVar aggregate classification (germline): Uncertain significance (1 of 4 stars; one submission).

Allele frequency attached by ClinVar (database versions not stated): gnomAD exomes below 0.00001.
gnomAD v4.1: 2 of 1,612,790 alleles (0.00012%); highest among the groups gnomAD compares: East Asian, 0.0022%; no homozygotes.

Submission:

Labcorp Genetics (formerly Invitae), Labcorp
Classification: Uncertain significance. Last evaluated: 2022-10-17. Review status: criteria provided, single submitter. Criteria: Invitae Variant Classification Sherloc (09022015). Collection method: clinical testing. Allele origin: germline.
Comment: This sequence change replaces threonine, which is neutral and polar, with proline, which is neutral and non-polar, at codon 642 of the SAMD11 protein (p.Thr642Pro). Algorithms developed to predict the effect of missense changes on protein structure and function (SIFT, PolyPhen-2, Align-GVGD) all suggest that this variant is likely to be tolerated. ClinVar contains an entry for this variant (Variation ID: 1038901). This variant has not been reported in the literature in individuals affected with SAMD11-related conditions. This variant is present in population databases (no rsID available, gnomAD 0.006%). In summary, the available evidence is currently insufficient to determine the role of this variant in disease. Therefore, it has been classified as a Variant of Uncertain Significance.